The following is an entry in ClinVar:

NM_018368.4(LMBRD1):c.151A>G (p.Ile51Val)

Gene: LMBRD1 (LMBR1 domain containing 1; minus strand). Cytogenetic location: 6q13.
Variant type: single nucleotide variant.
Coding change: c.151A>G on transcript NM_018368.4 (MANE Select); coding-DNA position 151, A replaced by G.
Protein change: p.Ile51Val; replaces isoleucine 51 with valine.
Molecular consequence: missense variant. On other transcripts: 5 prime UTR variant (3).
Genome position (GRCh38, 1-based): chr6:69,790,391, T>C on the plus strand (A>G on the coding strand, the complement: LMBRD1 is on the minus strand). VCF-style: chr6-69790391-T-C. GRCh37 (hg19) VCF-style: chr6-70500283-T-C.
Other names: c.-69A>G (NM_001363722.2, NM_001367271.1, NM_001367272.1); c.151A>G (NM_018368.3); short protein forms I51V.
Identifiers: ClinVar variation 2418881 (VCV002418881.6), dbSNP rs758878362, ClinGen allele CA3879993.

ClinVar aggregate classification (germline): Uncertain significance. Review status: criteria provided, multiple submitters, no conflicts (2 of 4 stars). 2 submissions from 2 submitters: Uncertain significance (2). Last evaluated 2025-04-07.

Conditions:
Methylmalonic aciduria and homocystinuria type cblF. Also called: COBALAMIN F DISEASE; COBALAMIN, DEFECT IN LYSOSOMAL RELEASE OF; METHYLMALONIC ACIDEMIA AND HOMOCYSTINURIA, cblF TYPE; METHYLMALONIC ACIDURIA DUE TO VITAMIN B12-RELEASE DEFECT; VITAMIN B12 LYSOSOMAL RELEASE DEFECT; VITAMIN B12 STORAGE DISEASE. Identifiers: Orphanet 79284, MedGen C1848578, MONDO:0010183, OMIM 277380.
Inborn genetic diseases. Identifiers: MedGen C0950123, MeSH D030342.

Allele frequency attached by ClinVar (database versions not stated): gnomAD 0.00001; TOPMed 0.00004; ExAC 0.00005.
gnomAD v4.1: 18 of 1,613,754 alleles (0.0011%); highest among the groups gnomAD compares: East Asian, 0.022%; no homozygotes.

Submissions (2):

Ambry Genetics
Classification: Uncertain significance for Inborn genetic diseases. Last evaluated: 2025-04-07. Review status: criteria provided, single submitter. Criteria: Ambry Variant Classification Scheme 2023. Collection method: clinical testing. Allele origin: germline.

Labcorp Genetics (formerly Invitae), Labcorp
Classification: Uncertain significance for Methylmalonic aciduria and homocystinuria type cblF. Last evaluated: 2022-08-10. Review status: criteria provided, single submitter. Criteria: Invitae Variant Classification Sherloc (09022015). Collection method: clinical testing. Allele origin: germline.
Comment: This sequence change replaces isoleucine, which is neutral and non-polar, with valine, which is neutral and non-polar, at codon 51 of the LMBRD1 protein (p.Ile51Val). This variant is present in population databases (rs758878362, gnomAD 0.07%). This variant has not been reported in the literature in individuals affected with LMBRD1-related conditions. Algorithms developed to predict the effect of missense changes on protein structure and function (SIFT, PolyPhen-2, Align-GVGD) all suggest that this variant is likely to be disruptive. Algorithms developed to predict the effect of sequence changes on RNA splicing suggest that this variant may create or strengthen a splice site. In summary, the available evidence is currently insufficient to determine the role of this variant in disease. Therefore, it has been classified as a Variant of Uncertain Significance.